The following is an entry in ClinVar:

NM_005477.3(HCN4):c.2975G>T (p.Ser992Ile)

Gene: HCN4 (hyperpolarization activated cyclic nucleotide gated potassium channel 4; minus strand). Cytogenetic location: 15q24.1.
Variant type: single nucleotide variant.
Coding change: c.2975G>T on transcript NM_005477.3 (MANE Select); coding-DNA position 2975, G replaced by T.
Protein change: p.Ser992Ile; replaces serine 992 with isoleucine.
Molecular consequence: missense variant.
Genome position (GRCh38, 1-based): chr15:73,323,118, C>A on the plus strand (G>T on the coding strand, the complement: HCN4 is on the minus strand). VCF-style: chr15-73323118-C-A. GRCh37 (hg19) VCF-style: chr15-73615459-C-A.
Other names: c.2975G>T (NM_005477.2); short protein forms S992I.
Identifiers: ClinVar variation 2201458 (VCV002201458.6), dbSNP rs754083717, ClinGen allele CA7648914.

ClinVar aggregate classification (germline): Uncertain significance. Review status: criteria provided, multiple submitters, no conflicts (2 of 4 stars). 3 submissions from 3 submitters: Uncertain significance (3). Last evaluated 2025-06-24.

Conditions:
Brugada syndrome 8 (BRGDA8). Identifiers: Orphanet 130, MedGen C2751083, MONDO:0013148, OMIM 613123.
Cardiovascular phenotype. Identifiers: MedGen CN230736.

Allele frequency attached by ClinVar (database versions not stated): gnomAD 0.00001; gnomAD exomes 0.00001; ExAC 0.00007.
gnomAD v4.1: 18 of 1,594,010 alleles (0.0011%); highest among the groups gnomAD compares: South Asian, 0.0023%; no homozygotes.

Submissions (3):

Ambry Genetics
Classification: Uncertain significance for Cardiovascular phenotype. Last evaluated: 2025-06-24. Review status: criteria provided, single submitter. Criteria: Ambry Variant Classification Scheme 2023. Collection method: clinical testing. Allele origin: germline.

Blueprint Genetics
Classification: Uncertain significance. Last evaluated: 2022-07-14. Review status: criteria provided, single submitter. Criteria: ACMG Guidelines, 2015. Collection method: clinical testing. Allele origin: germline.

Labcorp Genetics (formerly Invitae), Labcorp
Classification: Uncertain significance for Brugada syndrome 8. Last evaluated: 2022-03-10. Review status: criteria provided, single submitter. Criteria: Invitae Variant Classification Sherloc (09022015). Collection method: clinical testing. Allele origin: germline.
Comment: In summary, the available evidence is currently insufficient to determine the role of this variant in disease. Therefore, it has been classified as a Variant of Uncertain Significance. Advanced modeling of protein sequence and biophysical properties (such as structural, functional, and spatial information, amino acid conservation, physicochemical variation, residue mobility, and thermodynamic stability) performed at Invitae indicates that this missense variant is not expected to disrupt HCN4 protein function. This variant has not been reported in the literature in individuals affected with HCN4-related conditions. This variant is present in population databases (rs754083717, gnomAD 0.004%). This sequence change replaces serine, which is neutral and polar, with isoleucine, which is neutral and non-polar, at codon 992 of the HCN4 protein (p.Ser992Ile).